The following is an entry in ClinVar:

NM_000059.4(BRCA2):c.4454_4463del (p.Ile1485fs)

Gene: BRCA2 (BRCA2 DNA repair associated; plus strand). Cytogenetic location: 13q13.1.
Variant type: Deletion.
Coding change: c.4454_4463del on transcript NM_000059.4 (MANE Select); coding-DNA positions 4454 to 4463, 10 bases deleted (TAGTTAAACA; older notation c.4454_4463delTAGTTAAACA).
Protein change: p.Ile1485fs; shifts the reading frame from isoleucine 1485.
Molecular consequence: frameshift variant. On other transcripts: non-coding transcript variant (1), intron variant (2).
Genome position (GRCh38, 1-based): chr13:32,338,809-32,338,818, TAGTTAAACA deleted; deleting any 10 consecutive bases within chr13:32,338,806-32,338,818 gives the same sequence; the c. name uses the placement nearest the transcript's 3' end. VCF-style (leftmost placement, unchanged base first): chr13-32338805-GACATAGTTAA-G. GRCh37 (hg19) VCF-style: chr13-32912942-GACATAGTTAA-G.
Other names: c.4454_4463del, p.Ile1485fs (NM_001406719.1, NM_001406720.1); c.1909+5422_1909+5431del (NM_001406721.1); c.425-5749_425-5740del (NM_001406722.1); c.4454_4463del10 (NM_000059.3); short protein forms I1485fs.
Identifiers: ClinVar variation 3261546 (VCV003261546.1).
Genomic context (GRCh38, chr13:32,338,805, plus strand): 5'-TCTGAATTACATTCTGACATAAGAAAGAACAAAATGGACATTCTAAGTTATGAGGAAACA[GACATAGTTAA>G]ACACAAAATACTGAAAGAAAGTGTCCCAGTTGGTACTGGAAATCAACTAGTGACCTTCCA-3'

ClinVar aggregate classification (germline): Pathogenic (1 of 4 stars; one submission).

Conditions:
Hereditary cancer-predisposing syndrome. Also called: Hereditary Cancer Syndrome; Tumor predisposition; Hereditary neoplastic syndrome; Neoplastic Syndromes, Hereditary. Identifiers: Orphanet 140162, MedGen C0027672, MeSH D009386, MONDO:0015356.

Submission:

Ambry Genetics
Classification: Pathogenic for Hereditary cancer-predisposing syndrome. Last evaluated: 2024-03-23. Review status: criteria provided, single submitter. Criteria: Ambry Variant Classification Scheme 2023. Collection method: clinical testing. Allele origin: germline.
Comment: The c.4454_4463del10 pathogenic mutation, located in coding exon 10 of the BRCA2 gene, results from a deletion of 10 nucleotides at nucleotide positions 4454 to 4463, causing a translational frameshift with a predicted alternate stop codon (p.I1485Tfs*4). This variant is considered to be rare based on population cohorts in the Genome Aggregation Database (gnomAD). This alteration is expected to result in loss of function by premature protein truncation or nonsense-mediated mRNA decay. As such, this alteration is interpreted as a disease-causing mutation.